The following is an entry in ClinVar:

NM_014920.5(CILK1):c.831+8T>G

Gene: CILK1 (ciliogenesis associated kinase 1; minus strand). Cytogenetic location: 6p12.1.
Variant type: single nucleotide variant.
Coding change: c.831+8T>G on transcript NM_014920.5 (MANE Select); 8 bases into the intron after coding-DNA position 831, T replaced by G.
Molecular consequence: intron variant.
Genome position (GRCh38, 1-based): chr6:53,016,075, A>C on the plus strand (T>G on the coding strand, the complement: CILK1 is on the minus strand). VCF-style: chr6-53016075-A-C. GRCh37 (hg19) VCF-style: chr6-52880873-A-C.
Other names: c.831+8T>G (NM_001375397.1, NM_001375400.1, NM_016513.5 and 4 more transcripts).
Identifiers: ClinVar variation 3771989 (VCV003771989.13).

ClinVar aggregate classification (germline): Uncertain significance (1 of 4 stars; one submission).

gnomAD v4.1: 1 of 1,613,708 alleles (0.000062%); highest among the groups gnomAD compares: South Asian, 0.0011%; no homozygotes.

Submission:

CeGaT Center for Human Genetics Tuebingen
Classification: Uncertain significance. Last evaluated: 2024-12-01. Review status: criteria provided, single submitter. Criteria: CeGaT Center For Human Genetics Tuebingen Variant Classification Criteria Version 2. Collection method: clinical testing. Allele origin: germline. Affected: yes. Observed: 1 variant allele.
Comment: CILK1: PM2, BP4